The following is an entry in ClinVar:

ClinVar aggregate classification (germline): Pathogenic (1 of 4 stars; one submission).

Conditions:
Orthostatic hypotension 1 (ORTHYP1). Also called: NORADRENALINE DEFICIENCY; NOREPINEPHRINE DEFICIENCY; Dopamine beta-hydroxylase deficiency; Orthostatic hypotension 1, due to DBH deficiency. Identifiers: Orphanet 230, MedGen C4746777, MONDO:0009123, OMIM 223360.

Submission:

Labcorp Genetics (formerly Invitae), Labcorp
Classification: Pathogenic for Orthostatic hypotension 1. Last evaluated: 2023-12-12. Review status: criteria provided, single submitter. Criteria: Invitae Variant Classification Sherloc (09022015). Collection method: clinical testing. Allele origin: germline.
Comment: This sequence change creates a premature translational stop signal (p.Gly316Alafs*24) in the DBH gene. It is expected to result in an absent or disrupted protein product. Loss-of-function variants in DBH are known to be pathogenic (PMID: 7715704, 15060114). This variant is not present in population databases (gnomAD no frequency). This variant has not been reported in the literature in individuals affected with DBH-related conditions. Algorithms developed to predict the effect of sequence changes on RNA splicing suggest that this variant may disrupt the consensus splice site. For these reasons, this variant has been classified as Pathogenic.

Literature cited by the submitters: PubMed 7715704; PubMed 15060114.

NM_000787.4(DBH):c.945del (p.Gly316fs)

Gene: DBH (dopamine beta-hydroxylase; plus strand). Cytogenetic location: 9q34.2.
Variant type: Deletion.
Coding change: c.945del on transcript NM_000787.4 (MANE Select); coding-DNA position 945, one base deleted (C; older notation c.945delC).
Protein change: p.Gly316fs; shifts the reading frame from glycine 316.
Molecular consequence: frameshift variant.
Genome position (GRCh38, 1-based): chr9:133,644,241, C deleted; the last of 2 consecutive C bases (chr9:133,644,240-133,644,241); deleting either gives the same sequence. VCF-style (leftmost placement, unchanged base first): chr9-133644239-GC-G. GRCh37 (hg19) VCF-style: chr9-136509361-GC-G.
Other names: short protein forms G316fs.
Identifiers: ClinVar variation 2761924 (VCV002761924.3), dbSNP rs2538344178, ClinGen allele CA2697558197.
Genomic context (GRCh38, chr9:133,644,239, plus strand): 5'-CAGGACACACCCGTCTGTCTGACACCTTGCCCCACACAGGCATTTTACTACCCAGAGGAA[GC>G]CGGCCTTGCCTTCGGGGGTCCAGGGTCCTCCAGATATCTCCGCCTGGAAGTTCACTACCA-3'